The following is an entry in ClinVar:

ClinVar aggregate classification (germline): Uncertain significance (1 of 4 stars; one submission).

Allele frequency attached by ClinVar (database versions not stated): gnomAD 0.00001; gnomAD exomes 0.00001; TOPMed 0.00001; ExAC 0.00002.
gnomAD v4.1: 14 of 1,613,958 alleles (0.00087%); highest among the groups gnomAD compares: African/African-American, 0.0013%; no homozygotes.

Submission:

Ambry Genetics
Classification: Uncertain significance. Last evaluated: 2024-09-21. Review status: criteria provided, single submitter. Criteria: Ambry Variant Classification Scheme 2023. Collection method: clinical testing. Allele origin: germline.
Comment: The p.T1822K variant (also known as c.5465C>A), located in coding exon 5 of the ALPK2 gene, results from a C to A substitution at nucleotide position 5465. The threonine at codon 1822 is replaced by lysine, an amino acid with similar properties. This amino acid position is conserved. In addition, this alteration is predicted to be tolerated by in silico analysis. Since supporting evidence is limited at this time, the clinical significance of this alteration remains unclear.

NM_052947.4(ALPK2):c.5465C>A (p.Thr1822Lys)

Gene: ALPK2 (alpha kinase 2; minus strand). Cytogenetic location: 18q21.31.
Variant type: single nucleotide variant.
Coding change: c.5465C>A on transcript NM_052947.4 (MANE Select); coding-DNA position 5465, C replaced by A.
Protein change: p.Thr1822Lys; replaces threonine 1822 with lysine.
Molecular consequence: missense variant.
Genome position (GRCh38, 1-based): chr18:58,529,127, G>T on the plus strand (C>A on the coding strand, the complement: ALPK2 is on the minus strand). VCF-style: chr18-58529127-G-T. GRCh37 (hg19) VCF-style: chr18-56196359-G-T.
Other names: short protein forms T1822K.
Identifiers: ClinVar variation 1747689 (VCV001747689.3), dbSNP rs755516510, ClinGen allele CA8976504.
Genomic context (GRCh38, chr18:58,529,127, plus strand): 5'-AGTAACCAGGGAAAAACATCGCACCTTCTCTGCACTTGGGCTATGGACTTTGAATCTTTT[G>T]TCCAGCAGATAGTAGAATCTTCATGAATTTCTGCAAATTGGCAGCTTAATTTTACATTTC-3'
Protein context (NP_443179.3, residues 1812-1832): EIHEDSTICW[Thr1822Lys]KDSKSIAQVQ